The following is an entry in ClinVar:

NM_000059.4(BRCA2):c.6842-1351T>C

Gene: BRCA2 (BRCA2 DNA repair associated; plus strand). Cytogenetic location: 13q13.1.
Variant type: single nucleotide variant.
Coding change: c.6842-1351T>C on transcript NM_000059.4 (MANE Select); 1351 bases into the intron before coding-DNA position 6842, T replaced by C.
Molecular consequence: intron variant.
Genome position (GRCh38, 1-based): chr13:32,343,207, T>C. VCF-style: chr13-32343207-T-C. GRCh37 (hg19) VCF-style: chr13-32917344-T-C.
Other names: IVS 11-1351T>C.
Identifiers: ClinVar variation 209701 (VCV000209701.1), dbSNP rs11571666, ClinGen allele CA276669.

ClinVar aggregate classification (germline): Benign (3 of 4 stars; one submission).

Conditions:
Breast-ovarian cancer, familial, susceptibility to, 2 (BROVCA2). Also called: BRCA2 Hereditary Breast and Ovarian Cancer. Identifiers: Orphanet 145, MedGen C2675520, MONDO:0012933, OMIM 612555. Disease mechanism: loss of function.

Allele frequency attached by ClinVar (database versions not stated): gnomAD 0.00598 and 0.00656; 1000 Genomes Project 0.00619; TOPMed 0.00661.
gnomAD v4.1: 900 of 152,304 alleles (0.59%); highest among the groups gnomAD compares: African/African-American, 2.1%; 9 homozygotes.

Submission:

Evidence-based Network for the Interpretation of Germline Mutant Alleles (ENIGMA)
Classification: Benign for Breast-ovarian cancer, familial 2. Last evaluated: 2015-01-12. Review status: reviewed by expert panel. Criteria: ENIGMA BRCA1/2 Classification Criteria (2015). Collection method: curation. Allele origin: germline.
Comment: Class 1 not pathogenic based on frequency >1% in an outbred sampleset. Frequency 0.01626 (African), derived from 1000 genomes (2012-04-30).